The following is an entry in ClinVar:

NM_022455.5(NSD1):c.190G>A (p.Asp64Asn)

Gene: NSD1 (nuclear receptor binding SET domain protein 1; plus strand). Cytogenetic location: 5q35.3.
Variant type: single nucleotide variant.
Coding change: c.190G>A on transcript NM_022455.5 (MANE Select); coding-DNA position 190, G replaced by A.
Protein change: p.Asp64Asn; replaces aspartic acid 64 with asparagine.
Molecular consequence: missense variant. On other transcripts: intron variant (7).
Genome position (GRCh38, 1-based): chr5:177,135,293, G>A. VCF-style: chr5-177135293-G-A. GRCh37 (hg19) VCF-style: chr5-176562294-G-A.
Other names: c.190G>A, p.Asp64Asn (NM_001409301.1, NM_001409302.1, NM_001409303.1 and 1 more transcripts); c.-37+93G>A (NM_001409305.1, NM_001409306.1, NM_001409308.1 and 4 more transcripts); short protein forms D64N.
Identifiers: ClinVar variation 3700150 (VCV003700150.2).
Genomic context (GRCh38, chr5:177,135,293, plus strand): 5'-AATGGGTGTACTATGCAGTTATCGACTGTCAGTGGAACATCCCAAAATGCTTATGGACAA[G>A]ATTCTCCATCTTGTTACATTCCACTGCGGAGACTACAGGATTTGGCCTCCATGATCAATG-3'
Protein context (NP_071900.2, residues 54-74): SGTSQNAYGQ[Asp64Asn]SPSCYIPLRR

ClinVar aggregate classification (germline): Uncertain significance (1 of 4 stars; one submission).

gnomAD v4.1: 2 of 1,613,454 alleles (0.00012%); highest among the groups gnomAD compares: Non-Finnish European, 0.00017%; no homozygotes.

Submission:

Labcorp Genetics (formerly Invitae), Labcorp
Classification: Uncertain significance. Last evaluated: 2024-12-02. Review status: criteria provided, single submitter. Criteria: Invitae Variant Classification Sherloc (09022015). Collection method: clinical testing. Allele origin: germline.
Comment: This sequence change replaces aspartic acid, which is acidic and polar, with asparagine, which is neutral and polar, at codon 64 of the NSD1 protein (p.Asp64Asn). This variant is not present in population databases (gnomAD no frequency). This variant has not been reported in the literature in individuals affected with NSD1-related conditions. Invitae Evidence Modeling of protein sequence and biophysical properties (such as structural, functional, and spatial information, amino acid conservation, physicochemical variation, residue mobility, and thermodynamic stability) indicates that this missense variant is not expected to disrupt NSD1 protein function with a negative predictive value of 95%. In summary, the available evidence is currently insufficient to determine the role of this variant in disease. Therefore, it has been classified as a Variant of Uncertain Significance.